The following is an entry in ClinVar:

NM_004304.5(ALK):c.2204+4C>G

Gene: ALK (ALK receptor tyrosine kinase; minus strand). Cytogenetic location: 2p23.2.
Variant type: single nucleotide variant.
Coding change: c.2204+4C>G on transcript NM_004304.5 (MANE Select); 4 bases into the intron after coding-DNA position 2204, C replaced by G.
Molecular consequence: intron variant.
Genome position (GRCh38, 1-based): chr2:29,251,101, G>C on the plus strand (C>G on the coding strand, the complement: ALK is on the minus strand). VCF-style: chr2-29251101-G-C. GRCh37 (hg19) VCF-style: chr2-29473967-G-C.
Identifiers: ClinVar variation 404352 (VCV000404352.9), dbSNP rs201806531, ClinGen allele CA16610796.

ClinVar aggregate classification (germline): Uncertain significance. Review status: criteria provided, multiple submitters, no conflicts (2 of 4 stars). 2 submissions from 2 submitters: Uncertain significance (2). Last evaluated 2025-02-27.

Conditions:
Hereditary cancer-predisposing syndrome. Also called: Tumor predisposition; Neoplastic Syndromes, Hereditary; Hereditary Cancer Syndrome; Hereditary neoplastic syndrome. Identifiers: Orphanet 140162, MedGen C0027672, MeSH D009386, MONDO:0015356.
Neuroblastoma, susceptibility to, 3. Also called: ALK-Related Neuroblastic Tumor Susceptibility. Identifiers: Orphanet 635, MedGen C2751681, MONDO:0013083, OMIM 613014.

gnomAD v4.1: 8 of 1,613,614 alleles (0.0005%); highest among the groups gnomAD compares: South Asian, 0.0044%; no homozygotes.

Submissions (2):

Labcorp Genetics (formerly Invitae), Labcorp
Classification: Uncertain significance for Neuroblastoma, susceptibility to, 3. Last evaluated: 2025-02-27. Review status: criteria provided, single submitter. Criteria: Invitae Variant Classification Sherloc (09022015). Collection method: clinical testing. Allele origin: germline.
Comment: This sequence change falls in intron 12 of the ALK gene. It does not directly change the encoded amino acid sequence of the ALK protein. It affects a nucleotide within the consensus splice site. This variant is not present in population databases (gnomAD no frequency). This variant has not been reported in the literature in individuals affected with ALK-related conditions. ClinVar contains an entry for this variant (Variation ID: 404352). Variants that disrupt the consensus splice site are a relatively common cause of aberrant splicing (PMID: 17576681, 9536098). Algorithms developed to predict the effect of sequence changes on RNA splicing suggest that this variant is not likely to affect RNA splicing. In summary, the available evidence is currently insufficient to determine the role of this variant in disease. Therefore, it has been classified as a Variant of Uncertain Significance.

Ambry Genetics
Classification: Uncertain significance for Hereditary cancer-predisposing syndrome. Last evaluated: 2025-01-15. Review status: criteria provided, single submitter. Criteria: Ambry Variant Classification Scheme 2023. Collection method: clinical testing. Allele origin: germline.
Comment: The c.2204+4C>G intronic variant results from a C to G substitution 4 nucleotides after coding exon 12 in the ALK gene. This nucleotide position is poorly conserved in available vertebrate species. In silico splice site analysis predicts that this alteration will not have any significant effect on splicing. Based on the available evidence, the clinical significance of this variant remains unclear.

Literature cited by the submitters: PubMed 17576681 (cited by Labcorp Genetics (formerly Invitae), Labcorp); PubMed 9536098 (cited by Labcorp Genetics (formerly Invitae), Labcorp).